The following is an entry in ClinVar:

NM_001040142.2(SCN2A):c.718G>A (p.Ala240Thr)

Gene: SCN2A (sodium voltage-gated channel alpha subunit 2; plus strand). Cytogenetic location: 2q24.3.
Variant type: single nucleotide variant.
Coding change: c.718G>A on transcript NM_001040142.2 (MANE Select); coding-DNA position 718, G replaced by A.
Protein change: p.Ala240Thr; replaces alanine 240 with threonine.
Molecular consequence: missense variant.
Genome position (GRCh38, 1-based): chr2:165,310,343, G>A. VCF-style: chr2-165310343-G-A. GRCh37 (hg19) VCF-style: chr2-166166853-G-A.
Other names: c.718G>A, p.Ala240Thr (NM_001040143.2, NM_001371246.1, NM_001371247.1 and 1 more transcripts); short protein forms A240T.
Identifiers: ClinVar variation 421259 (VCV000421259.12), dbSNP rs1064795014, ClinGen allele CA16617261.

ClinVar aggregate classification (germline): Likely pathogenic. Review status: criteria provided, multiple submitters, no conflicts (2 of 4 stars). 2 submissions from 2 submitters: Likely pathogenic (2). Last evaluated 2020-04-15.

Conditions:
Seizures, benign familial infantile, 3 (BFIS3). Also called: Familial neonatal seizures; CONVULSIONS, BENIGN FAMILIAL INFANTILE, 3. Identifiers: Orphanet 140927, Orphanet 306, MedGen C1843140, MONDO:0011904, OMIM 607745.
Developmental and epileptic encephalopathy, 11 (DEE11). Also called: Early infantile epileptic encephalopathy 11. Identifiers: Orphanet 1934, MedGen C3150987, MONDO:0013388, OMIM 613721.

Submissions (2):

Labcorp Genetics (formerly Invitae), Labcorp
Classification: Likely pathogenic for Seizures, benign familial infantile, 3; Developmental and epileptic encephalopathy, 11. Last evaluated: 2020-04-15. Review status: criteria provided, single submitter. Criteria: Invitae Variant Classification Sherloc (09022015). Collection method: clinical testing. Allele origin: germline.
Comment: Algorithms developed to predict the effect of missense changes on protein structure and function are either unavailable or do not agree on the potential impact of this missense change (SIFT: "Deleterious"; PolyPhen-2: "Probably Damaging"; Align-GVGD: "Class C0"). This variant has been observed in individual(s) with clinical features of SCN2A-related conditions (Invitae). In at least one individual the variant was observed to be de novo. ClinVar contains an entry for this variant (Variation ID: 421259). This variant disrupts the p.Ala240 amino acid residue in SCN2A. Other variant(s) that disrupt this residue have been observed in individuals with SCN2A-related conditions (PMID: 26291284), which suggests that this may be a clinically significant amino acid residue. In summary, the currently available evidence indicates that the variant is pathogenic, but additional data are needed to prove that conclusively. Therefore, this variant has been classified as Likely Pathogenic. This sequence change replaces alanine with threonine at codon 240 of the SCN2A protein (p.Ala240Thr). The alanine residue is highly conserved and there is a small physicochemical difference between alanine and threonine. This variant is not present in population databases (ExAC no frequency).

GeneDx
Classification: Likely pathogenic. Last evaluated: 2016-05-19. Review status: criteria provided, single submitter. Criteria: GeneDx Variant Classification (06012015). Collection method: clinical testing. Allele origin: germline. Affected: yes.
Comment: The A240T variant has not been published as a pathogenic variant, nor has it been reported as a benign variant to our knowledge. However, a different missense variant in the same position (A240S) has been reported previously as a de novo variant in an individual with epilepsy of infancy with migrating focal seizures (Howell et al., 2015). The A240T was not observed in approximately 6,500 individuals of European and African American ancestry in the NHLBI Exome Sequencing Project, indicating it is not a common benign variant in these populations. The A240T variant is a non-conservative amino acid substitution, which is likely to impact secondary protein structure as these residues differ in polarity, charge, size and/or other properties. This substitution occurs at a conserved position predicted to be within in the intracellular loop between the S4 and S5 transmembrane segments of the first homologous domain of the protein. In silico analysis predicts this variant is probably damaging to the protein structure/function. Therefore, this variant is likely pathogenic; however, the possibility that it is benign cannot be excluded.

Literature cited by the submitters: PubMed 26291284 (cited by Labcorp Genetics (formerly Invitae), Labcorp).